The following is an entry in ClinVar:

NM_001347721.2(DYRK1A):c.508_513del (p.Arg170_Val171del)

Gene: DYRK1A (dual specificity tyrosine phosphorylation regulated kinase 1A; plus strand). Cytogenetic location: 21q22.13.
Variant type: Deletion.
Coding change: c.508_513del on transcript NM_001347721.2 (MANE Select); coding-DNA positions 508 to 513, 6 bases deleted (CGTGTG; older notation c.508_513delCGTGTG).
Protein change: p.Arg170_Val171del.
Molecular consequence: inframe deletion.
Genome position (GRCh38, 1-based): chr21:37,486,485-37,486,490, CGTGTG deleted. VCF-style (leftmost placement, unchanged base first): chr21-37486484-TCGTGTG-T. GRCh37 (hg19) VCF-style: chr21-38858786-TCGTGTG-T.
Other names: c.535_540delCGTGTG (NM_001396.3); c.535_540del (NM_001396.3); c.508_513del, p.Arg170_Val171del (NM_001347722.2, NM_130436.2); c.421_426del, p.Arg141_Val142del (NM_001347723.2); c.535_540del, p.Arg179_Val180del (NM_001396.5, NM_101395.2, NM_130438.2).
Identifiers: ClinVar variation 422108 (VCV000422108.3), dbSNP rs1064795563, ClinGen allele CA16620998.

ClinVar aggregate classification (germline): Pathogenic (1 of 4 stars; one submission).

Submission:

GeneDx
Classification: Pathogenic. Last evaluated: 2023-02-13. Review status: criteria provided, single submitter. Criteria: GeneDx Variant Classification Process June 2021. Collection method: clinical testing. Allele origin: germline. Affected: yes.
Comment: Not observed at significant frequency in large population cohorts (gnomAD); In-frame deletion of 2 amino acids in a non-repeat region; In silico analysis supports a deleterious effect on protein structure/function; Has not been previously published as pathogenic or benign to our knowledge